The following is an entry in ClinVar:

NM_000834.5(GRIN2B):c.2251A>C (p.Ile751Leu)

Gene: GRIN2B (glutamate ionotropic receptor NMDA type subunit 2B; minus strand). Cytogenetic location: 12p13.1.
Variant type: single nucleotide variant.
Coding change: c.2251A>C on transcript NM_000834.5 (MANE Select); coding-DNA position 2251, A replaced by C.
Protein change: p.Ile751Leu; replaces isoleucine 751 with leucine.
Molecular consequence: missense variant.
Genome position (GRCh38, 1-based): chr12:13,569,938, T>G on the plus strand (A>C on the coding strand, the complement: GRIN2B is on the minus strand). VCF-style: chr12-13569938-T-G. GRCh37 (hg19) VCF-style: chr12-13722872-T-G.
Other names: short protein forms I751L.
Identifiers: ClinVar variation 245954 (VCV000245954.2), dbSNP rs879254013, ClinGen allele CA10584425.

ClinVar aggregate classification (germline): Likely pathogenic (1 of 4 stars; one submission).

Submission:

GeneDx
Classification: Likely pathogenic. Last evaluated: 2017-02-01. Review status: criteria provided, single submitter. Criteria: GeneDx Variant Classification (06012015). Collection method: clinical testing. Allele origin: germline. Affected: yes.
Comment: The I751L variant in the GRIN2B gene has not been reported previously as a pathogenic variant nor as a benign variant, to our knowledge. The I751L variant is not observed in large population cohorts (Lek et al., 2016; 1000 Genomes Consortium et al., 2015; Exome Variant Server). The I751L variant is a conservative amino acid substitution, which occurs at a position that is conserved across species. In silico analysis is inconsistent in its predictions as to whether or not the variant is damaging to the protein structure/function. The I751L variant is a strong candidate for a pathogenic variant, however the possibility it may be a rare benign variant cannot be excluded.